The following is an entry in ClinVar:

ClinVar aggregate classification (germline): Likely pathogenic (1 of 4 stars; one submission).

Conditions:
Ciliary dyskinesia, primary, 40. Also called: CILIARY DYSKINESIA, PRIMARY, 40, WITH OR WITHOUT SITUS INVERSUS. Identifiers: MedGen C4749028, MONDO:0032664, OMIM 618300.

Submission:

Juno Genomics, Hangzhou Juno Genomics, Inc
Classification: Likely pathogenic for Ciliary dyskinesia, primary, 40. Review status: criteria provided, single submitter. Criteria: ACMG Guidelines, 2015. Collection method: clinical testing. Allele origin: germline.
Comment: Null variant in a gene where loss of function (LOF) is a known mechanism of disease.;Absent from controls (or at extremely low frequency if recessive) in Genome Aggregation Database.

NM_001372.4(DNAH9):c.5343_5355del (p.Ile1782fs)

Gene: DNAH9 (dynein axonemal heavy chain 9; plus strand). Cytogenetic location: 17p12.
Variant type: Deletion.
Coding change: c.5343_5355del on transcript NM_001372.4 (MANE Select); coding-DNA positions 5343 to 5355, 13 bases deleted (CATCGATGTGCAT).
Protein change: p.Ile1782fs; shifts the reading frame from isoleucine 1782.
Molecular consequence: frameshift variant.
Genome position (GRCh38, 1-based): chr17:11,704,394-11,704,406, CATCGATGTGCAT deleted. VCF-style (leftmost placement, unchanged base first): chr17-11704393-CCATCGATGTGCAT-C. GRCh37 (hg19) VCF-style: chr17-11607710-CCATCGATGTGCAT-C.
Other names: short protein forms I1782fs.
Identifiers: ClinVar variation 5005688 (VCV005005688.2).